The following is an entry in ClinVar:

ClinVar aggregate classification (germline): Uncertain significance (1 of 4 stars; one submission).

Allele frequency attached by ClinVar (database versions not stated): gnomAD exomes 0.00001; TOPMed 0.00002.

Submission:

Labcorp Genetics (formerly Invitae), Labcorp
Classification: Uncertain significance. Last evaluated: 2024-11-13. Review status: criteria provided, single submitter. Criteria: Invitae Variant Classification Sherloc (09022015). Collection method: clinical testing. Allele origin: germline.
Comment: This sequence change replaces alanine, which is neutral and non-polar, with threonine, which is neutral and polar, at codon 128 of the AP2M1 protein (p.Ala128Thr). This variant is present in population databases (no rsID available, gnomAD 0.0009%). This variant has not been reported in the literature in individuals affected with AP2M1-related conditions. ClinVar contains an entry for this variant (Variation ID: 1403419). An algorithm developed to predict the effect of missense changes on protein structure and function (PolyPhen-2) suggests that this variant is likely to be tolerated. In summary, the available evidence is currently insufficient to determine the role of this variant in disease. Therefore, it has been classified as a Variant of Uncertain Significance.

NM_004068.4(AP2M1):c.382G>A (p.Ala128Thr)

Gene: AP2M1 (adaptor related protein complex 2 subunit mu 1; plus strand). Cytogenetic location: 3q27.1.
Variant type: single nucleotide variant.
Coding change: c.382G>A on transcript NM_004068.4 (MANE Select); coding-DNA position 382, G replaced by A.
Protein change: p.Ala128Thr; replaces alanine 128 with threonine.
Molecular consequence: missense variant.
Genome position (GRCh38, 1-based): chr3:184,180,210, G>A. VCF-style: chr3-184180210-G-A. GRCh37 (hg19) VCF-style: chr3-183897998-G-A.
Other names: c.382G>A, p.Ala128Thr (NM_001025205.2); c.457G>A, p.Ala153Thr (NM_001311198.2); short protein forms A128T, A153T.
Identifiers: ClinVar variation 1403419 (VCV001403419.6), dbSNP rs1041547140, ClinGen allele CA88860565.